The following is an entry in ClinVar:

ClinVar aggregate classification (germline): Uncertain significance (1 of 4 stars; one submission).

Conditions:
Hereditary cancer-predisposing syndrome. Also called: Hereditary Cancer Syndrome; Tumor predisposition; Hereditary neoplastic syndrome; Neoplastic Syndromes, Hereditary. Identifiers: Orphanet 140162, MedGen C0027672, MeSH D009386, MONDO:0015356.

gnomAD v4.1: 1 of 1,613,126 alleles (0.000062%); highest among the groups gnomAD compares: Non-Finnish European, 0.000085%; no homozygotes.

Submission:

Ambry Genetics
Classification: Uncertain significance for Hereditary cancer-predisposing syndrome. Last evaluated: 2024-11-06. Review status: criteria provided, single submitter. Criteria: Ambry Variant Classification Scheme 2023. Collection method: clinical testing. Allele origin: germline.
Comment: The p.Y845D variant (also known as c.2533T>G), located in coding exon 4 of the MSH6 gene, results from a T to G substitution at nucleotide position 2533. The tyrosine at codon 845 is replaced by aspartic acid, an amino acid with highly dissimilar properties. This amino acid position is conserved. In addition, this alteration is predicted to be deleterious by in silico analysis. Based on the available evidence, the clinical significance of this variant remains unclear.

NM_000179.3(MSH6):c.2533T>G (p.Tyr845Asp)

Gene: MSH6 (mutS homolog 6; plus strand). Cytogenetic location: 2p16.3.
Variant type: single nucleotide variant.
Coding change: c.2533T>G on transcript NM_000179.3 (MANE Select); coding-DNA position 2533, T replaced by G.
Protein change: p.Tyr845Asp; replaces tyrosine 845 with aspartic acid.
Molecular consequence: missense variant. On other transcripts: non-coding transcript variant (5), intron variant (3).
Genome position (GRCh38, 1-based): chr2:47,800,516, T>G. VCF-style: chr2-47800516-T-G. GRCh37 (hg19) VCF-style: chr2-48027655-T-G.
Other names: c.2143T>G, p.Tyr715Asp (NM_001281492.2); c.1627T>G, p.Tyr543Asp (NM_001281493.2, NM_001281494.2, NM_001406811.1 and 6 more transcripts); c.2629T>G, p.Tyr877Asp (NM_001406795.1, NM_001406802.1); c.2533T>G, p.Tyr845Asp (NM_001406796.1, NM_001406798.1, NM_001406800.1 and 2 more transcripts); c.2236T>G, p.Tyr746Asp (NM_001406797.1, NM_001406801.1, NM_001406805.1 and 10 more transcripts); c.2008T>G, p.Tyr670Asp (NM_001406799.1, NM_001406806.1, NM_001406807.1); c.2455T>G, p.Tyr819Asp (NM_001406804.1); c.2539T>G, p.Tyr847Asp (NM_001406813.1); and 4 more; short protein forms Y789D, Y847D, Y543D, Y670D, Y819D, Y877D, Y746D, Y845D.
Identifiers: ClinVar variation 3398956 (VCV003398956.1).